The following is an entry in ClinVar:

ClinVar aggregate classification (germline): Benign. Review status: reviewed by expert panel (3 of 4 stars). 4 submissions from 4 submitters: Benign (1). 3 of the submissions do not count toward it. Last evaluated 2021-01-11.

Conditions:
Hereditary thrombocytopenia and hematologic cancer predisposition syndrome. Identifiers: Orphanet 71290, MedGen CN281654, MONDO:0011071.
Hereditary thrombocytopenia and hematological cancer predisposition syndrome associated with RUNX1. Also called: PLATELET DISORDER, ASPIRIN-LIKE; Familial Platelet Disorder with Propensity to Acute Myelogenous Leukemia; Familial thrombocytopenia with propensity to acute myelogenous leukemia; RUNX1 Familial Platelet Disorder with Associated Myeloid Malignancies. Identifiers: Orphanet 71290, MedGen C1832388, MeSH C563324, MONDO:0100083, OMIM 601399.
Inborn genetic diseases. Identifiers: MedGen C0950123, MeSH D030342.

Allele frequency attached by ClinVar (database versions not stated): TOPMed 0.00002; gnomAD 0.00003; gnomAD exomes 0.00003; ExAC 0.00005.
gnomAD v4.1: 42 of 1,606,910 alleles (0.0026%); highest among the groups gnomAD compares: East Asian, 0.071%; no homozygotes.

Submissions (4):

ClinGen Myeloid Malignancy Variant Curation Expert Panel
Classification: Benign for Hereditary thrombocytopenia and hematologic cancer predisposition syndrome. Last evaluated: 2021-01-11. Review status: reviewed by expert panel. Criteria: ClinGen MyeloMalig ACMG Specifications v1. Collection method: curation. Allele origin: germline. Inheritance: Autosomal dominant inheritance.
Comment: The NM_001754.4:c.205G>C variant that results in a Gly69Arg missense change has an MAF of 0.0003133 (0.03%, 6/19148 alleles) in the East Asian subpopulation of the gnomAD v2.1.1 cohort, which is between 0.00015 (0.015%) and 0.0015 (0.15%) (BS1). Transactivation assays demonstrate normal transactivation as wild-type and normal DNA binding (BS3; PMIDs: 23817177 & 12393679). The variant has not been reported in the germ line of patients with familial platelet disorder with predisposition to hematologic malignancies in the literature, to the best of our knowledge. In summary, this variant meets criteria to be classified as benign. ACMG/AMP criteria applied, as specified by the Myeloid Malignancy Variant Curation Expert Panel for RUNX1: BS1, BS3.

Labcorp Genetics (formerly Invitae), Labcorp
Classification: Uncertain significance for Hereditary thrombocytopenia and hematological cancer predisposition syndrome associated with RUNX1. Last evaluated: 2025-11-19. Review status: criteria provided, single submitter. Criteria: Invitae Variant Classification Sherloc (09022015). Collection method: clinical testing. Allele origin: germline. Not counted in ClinVar's aggregate classification.
Comment: This sequence change replaces glycine, which is neutral and non-polar, with arginine, which is basic and polar, at codon 69 of the RUNX1 protein (p.Gly69Arg). This variant is present in population databases (rs777168865, gnomAD 0.03%). This missense change has been observed in individual(s) with acute myeloid leukemia (PMID: 31470354). This variant is also known as c.124G>C (p.Gly42Arg). ClinVar contains an entry for this variant (Variation ID: 463990). Invitae Evidence Modeling of protein sequence and biophysical properties (such as structural, functional, and spatial information, amino acid conservation, physicochemical variation, residue mobility, and thermodynamic stability) has been performed for this missense variant. However, the output from this modeling did not meet the statistical confidence thresholds required to predict the impact of this variant on RUNX1 protein function. In summary, the available evidence is currently insufficient to determine the role of this variant in disease. Therefore, it has been classified as a Variant of Uncertain Significance.

Ambry Genetics
Classification: Uncertain significance for Inborn genetic diseases. Last evaluated: 2024-08-23. Review status: criteria provided, single submitter. Criteria: Ambry Variant Classification Scheme 2023. Collection method: clinical testing. Allele origin: germline. Not counted in ClinVar's aggregate classification.
Comment: The p.G69R variant (also known as c.205G>C), located in coding exon 3 of the RUNX1 gene, results from a G to C substitution at nucleotide position 205. The glycine at codon 69 is replaced by arginine, an amino acid with dissimilar properties. One functional study reported that this variant maintained normal levels of transcriptional activity (Koh CP et al. Leukemia. 2013 Sep;27(9):1793-802). This amino acid position is well conserved in available vertebrate species. In addition, the in silico prediction for this alteration is inconclusive. Based on the available evidence, the clinical significance of this variant remains unclear.

GeneDx
Classification: Uncertain significance. Last evaluated: 2022-09-28. Review status: criteria provided, single submitter. Criteria: GeneDx Variant Classification Process June 2021. Collection method: clinical testing. Allele origin: germline. Affected: yes. Not counted in ClinVar's aggregate classification.
Comment: In silico analysis supports that this missense variant has a deleterious effect on protein structure/function; Published functional studies demonstrate no damaging effect (Harada et al., 2003; Koh et al., 2013); Observed in the germline of an individual with acute myeloid leukemia and no family history (Jeong et al., 2019); Also known as c.124C>G; p.G42R; This variant is associated with the following publications: (PMID: 35599145, 12393679, 23817177, 32956452, 31470354)

Literature cited by the submitters: PubMed 12393679 (cited by ClinGen Myeloid Malignancy Variant Curation Expert Panel and Ambry Genetics); PubMed 23817177 (cited by ClinGen Myeloid Malignancy Variant Curation Expert Panel and Ambry Genetics); PubMed 31470354 (cited by Labcorp Genetics (formerly Invitae), Labcorp).

NM_001754.5(RUNX1):c.205G>C (p.Gly69Arg)

Gene: RUNX1 (RUNX family transcription factor 1; minus strand). Cytogenetic location: 21q22.12.
Variant type: single nucleotide variant.
Coding change: c.205G>C on transcript NM_001754.5 (MANE Select); coding-DNA position 205, G replaced by C.
Protein change: p.Gly69Arg; replaces glycine 69 with arginine.
Molecular consequence: missense variant.
Genome position (GRCh38, 1-based): chr21:34,886,989, C>G on the plus strand (G>C on the coding strand, the complement: RUNX1 is on the minus strand). VCF-style: chr21-34886989-C-G. GRCh37 (hg19) VCF-style: chr21-36259286-C-G.
Other names: c.124G>C, p.Gly42Arg (NM_001001890.3, NM_001122607.2); short protein forms G69R, G42R.
Identifiers: ClinVar variation 463990 (VCV000463990.14), dbSNP rs777168865, ClinGen allele CA10014569.